The following is an entry in ClinVar:

NM_014023.4(WDR37):c.1214T>C (p.Ile405Thr)

Gene: WDR37 (WD repeat domain 37; plus strand). Cytogenetic location: 10p15.3.
Variant type: single nucleotide variant.
Coding change: c.1214T>C on transcript NM_014023.4 (MANE Select); coding-DNA position 1214, T replaced by C.
Protein change: p.Ile405Thr; replaces isoleucine 405 with threonine.
Molecular consequence: missense variant.
Genome position (GRCh38, 1-based): chr10:1,124,328, T>C. VCF-style: chr10-1124328-T-C. GRCh37 (hg19) VCF-style: chr10-1170268-T-C.
Other names: short protein forms I405T.
Identifiers: ClinVar variation 3384623 (VCV003384623.1).

ClinVar aggregate classification (germline): Uncertain significance (1 of 4 stars; one submission).

Submission:

GeneDx
Classification: Uncertain significance. Last evaluated: 2024-06-06. Review status: criteria provided, single submitter. Criteria: GeneDx Variant Classification Process June 2021. Collection method: clinical testing. Allele origin: germline. Affected: yes.
Comment: Not observed at significant frequency in large population cohorts (gnomAD); In silico analysis supports that this missense variant has a deleterious effect on protein structure/function; Has not been previously published as pathogenic or benign to our knowledge